The following is an entry in ClinVar:

NM_024675.4(PALB2):c.2328del (p.Phe776fs)

Gene: PALB2 (partner and localizer of BRCA2; minus strand). Cytogenetic location: 16p12.2.
Variant type: Deletion.
Coding change: c.2328del on transcript NM_024675.4 (MANE Select); coding-DNA position 2328, one base deleted (C; older notation c.2328delC).
Protein change: p.Phe776fs; shifts the reading frame from phenylalanine 776.
Molecular consequence: frameshift variant.
Genome position (GRCh38, 1-based): chr16:23,629,826, G deleted on the plus strand (C on the coding strand, the reverse complement: PALB2 is on the minus strand). VCF-style (leftmost placement, unchanged base first): chr16-23629825-CG-C. GRCh37 (hg19) VCF-style: chr16-23641146-CG-C.
Other names: short protein forms F776fs.
Identifiers: ClinVar variation 936957 (VCV000936957.11), dbSNP rs1966857445, ClinGen allele CA1139664592.

ClinVar aggregate classification (germline): Pathogenic. Review status: criteria provided, multiple submitters, no conflicts (2 of 4 stars). 2 submissions from 2 submitters: Pathogenic (2). Last evaluated 2026-01-25.

Conditions:
Familial cancer of breast. Also called: BREAST CANCER, FAMILIAL; Hereditary breast cancer; hereditary breast carcinoma. Identifiers: Orphanet 227535, MedGen C0346153, MONDO:0016419, OMIM 114480. Disease mechanism: loss of function.

Submissions (2):

Labcorp Genetics (formerly Invitae), Labcorp
Classification: Pathogenic for Familial cancer of breast. Last evaluated: 2026-01-25. Review status: criteria provided, single submitter. Criteria: Invitae Variant Classification Sherloc (09022015). Collection method: clinical testing. Allele origin: germline.
Comment: This sequence change creates a premature translational stop signal (p.Phe776Leufs*75) in the PALB2 gene. It is expected to result in an absent or disrupted protein product. Loss-of-function variants in PALB2 are known to be pathogenic (PMID: 17200668, 17200671, 17200672, 24136930, 25099575). This variant is not present in population databases (gnomAD no frequency). This variant has not been reported in the literature in individuals affected with PALB2-related conditions. ClinVar contains an entry for this variant (Variation ID: 936957). For these reasons, this variant has been classified as Pathogenic.

GeneDx
Classification: Pathogenic. Last evaluated: 2021-01-11. Review status: criteria provided, single submitter. Criteria: GeneDx Variant Classification Process June 2021. Collection method: clinical testing. Allele origin: germline. Affected: yes.
Comment: Frameshift variant predicted to result in protein truncation or nonsense mediated decay in a gene for which loss-of-function is a known mechanism of disease; Has not been previously published as pathogenic or benign to our knowledge; Not observed in large population cohorts (Lek 2016)

Literature cited by the submitters: PubMed 17200668 (cited by Labcorp Genetics (formerly Invitae), Labcorp); PubMed 17200671 (cited by Labcorp Genetics (formerly Invitae), Labcorp); PubMed 17200672 (cited by Labcorp Genetics (formerly Invitae), Labcorp); PubMed 24136930 (cited by Labcorp Genetics (formerly Invitae), Labcorp); PubMed 25099575 (cited by Labcorp Genetics (formerly Invitae), Labcorp).